The following is an entry in ClinVar:

NM_001040142.2(SCN2A):c.5495C>A (p.Ala1832Glu)

Gene: SCN2A (sodium voltage-gated channel alpha subunit 2; plus strand). Cytogenetic location: 2q24.3.
Variant type: single nucleotide variant.
Coding change: c.5495C>A on transcript NM_001040142.2 (MANE Select); coding-DNA position 5495, C replaced by A.
Protein change: p.Ala1832Glu; replaces alanine 1832 with glutamic acid.
Molecular consequence: missense variant.
Genome position (GRCh38, 1-based): chr2:165,389,301, C>A. VCF-style: chr2-165389301-C-A. GRCh37 (hg19) VCF-style: chr2-166245811-C-A.
Other names: c.5495C>A, p.Ala1832Glu (NM_001040143.2, NM_001371246.1, NM_001371247.1 and 1 more transcripts); short protein forms A1832E.
Identifiers: ClinVar variation 3361023 (VCV003361023.1).

ClinVar aggregate classification (germline): Uncertain significance (1 of 4 stars; one submission).

Submission:

GeneDx
Classification: Uncertain significance. Last evaluated: 2023-07-11. Review status: criteria provided, single submitter. Criteria: GeneDx Variant Classification Process June 2021. Collection method: clinical testing. Allele origin: germline. Affected: yes.
Comment: Not observed at significant frequency in large population cohorts (gnomAD); Missense variants in this gene are often considered pathogenic (HGMD); In silico analysis supports that this missense variant does not alter protein structure/function; Has not been previously published as pathogenic or benign to our knowledge; This substitution is predicted to be within the C-terminal cytoplasmic domain